The following is an entry in ClinVar:

NM_016213.5(TRIP4):c.255G>A (p.Gln85=)

Gene: TRIP4 (thyroid hormone receptor interactor 4; plus strand). Cytogenetic location: 15q22.31.
Variant type: single nucleotide variant.
Coding change: c.255G>A on transcript NM_016213.5 (MANE Select); coding-DNA position 255, G replaced by A.
Protein change: p.Gln85=; no amino-acid change (glutamine 85 retained).
Molecular consequence: synonymous variant. On other transcripts: 5 prime UTR variant (1), non-coding transcript variant (1).
Genome position (GRCh38, 1-based): chr15:64,394,099, G>A. VCF-style: chr15-64394099-G-A. GRCh37 (hg19) VCF-style: chr15-64686298-G-A.
Other names: p.Gln85=; c.-436G>A (NM_001321924.2).
Identifiers: ClinVar variation 781294 (VCV000781294.15), dbSNP rs115051562, ClinGen allele CA7609310.

ClinVar aggregate classification (germline): Benign/Likely benign. Review status: criteria provided, multiple submitters, no conflicts (2 of 4 stars). 4 submissions from 4 submitters: Benign (2); Likely benign (1). 1 of the submissions does not count toward it. Last evaluated 2026-01-26.

Conditions:
TRIP4-related disorder. Also called: TRIP4-related disorders; TRIP4-related condition.

Allele frequency attached by ClinVar (database versions not stated): gnomAD exomes 0.00078 and 0.00214; ExAC 0.00263; gnomAD 0.00831 and 0.00899; 1000 Genomes Project 0.00938; TOPMed 0.00979; 1000 Genomes Project 30x 0.00999; ESP Exome Variant Server 0.01000.
gnomAD v4.1: 2,425 of 1,597,908 alleles (0.15%); highest among the groups gnomAD compares: African/African-American, 3%; 36 homozygotes.

Submissions (4):

Labcorp Genetics (formerly Invitae), Labcorp
Classification: Benign. Last evaluated: 2026-01-26. Review status: criteria provided, single submitter. Criteria: Invitae Variant Classification Sherloc (09022015). Collection method: clinical testing. Allele origin: germline.

Mayo Clinic Laboratories, Mayo Clinic
Classification: Benign. Last evaluated: 2025-03-26. Review status: criteria provided, single submitter. Criteria: ACMG Guidelines, 2015. Collection method: clinical testing. Allele origin: germline. Observed: 2 variant alleles.
Comment: BS1, BS2, BP4, BP7

GeneDx
Classification: Likely benign. Last evaluated: 2020-12-14. Review status: criteria provided, single submitter. Criteria: GeneDx Variant Classification Process June 2021. Collection method: clinical testing. Allele origin: germline. Affected: yes.

PreventionGenetics, part of Exact Sciences
Classification: Benign for TRIP4-related condition. Last evaluated: 2019-07-19. Review status: no assertion criteria provided. Collection method: clinical testing. Allele origin: germline. Not counted in ClinVar's aggregate classification.
Comment: This variant is classified as benign based on ACMG/AMP sequence variant interpretation guidelines (Richards et al. 2015 PMID: 25741868, with internal and published modifications).